The following is an entry in ClinVar:

ClinVar aggregate classification (germline): Uncertain significance (1 of 4 stars; one submission).

Conditions:
ZBTB7A-related disorder. Also called: ZBTB7A-related condition.

Submission:

PreventionGenetics, part of Exact Sciences
Classification: Uncertain significance for ZBTB7A-related condition. Last evaluated: 2023-02-03. Review status: criteria provided, single submitter. Criteria: ACMG Guidelines, 2015. Collection method: clinical testing. Allele origin: germline.
Comment: The ZBTB7A c.1288delC variant is predicted to result in a frameshift and premature protein termination (p.Arg430Glyfs*24). To our knowledge, this variant has not been reported in the literature or in a large population database, indicating this variant is rare. Although we suspect that this variant may be pathogenic, at this time, the clinical significance of this variant is uncertain due to the absence of conclusive functional and genetic evidence.

NM_015898.4(ZBTB7A):c.1288del (p.Arg430fs)

Gene: ZBTB7A (zinc finger and BTB domain containing 7A; minus strand). Cytogenetic location: 19p13.3.
Variant type: Deletion.
Coding change: c.1288del on transcript NM_015898.4 (MANE Select); coding-DNA position 1288, one base deleted (C; older notation c.1288delC).
Protein change: p.Arg430fs; shifts the reading frame from arginine 430.
Molecular consequence: frameshift variant.
Genome position (GRCh38, 1-based): chr19:4,048,219, G deleted on the plus strand (C on the coding strand, the reverse complement: ZBTB7A is on the minus strand). VCF-style (leftmost placement, unchanged base first): chr19-4048218-CG-C. GRCh37 (hg19) VCF-style: chr19-4048216-CG-C.
Other names: c.1288del, p.Arg430fs (NM_001317990.2); short protein forms R430fs.
Identifiers: ClinVar variation 2630230 (VCV002630230.1), dbSNP rs2512265831, ClinGen allele CA2695198113.
Genomic context (GRCh38, chr19:4,048,218, plus strand): 5'-TTGTGGGCAAAGGCGGCGCCGCACTGCTGGCACAGGTACGGCTTCTCGCCCGTGTGCTTC[CG>C]CATGTGCACCTTCAGCTTGTCCTGCCTGTGGACGGGGCACGGGGCGGGCACGGTCAGTGG-3'